The following is an entry in ClinVar:

NM_000352.6(ABCC8):c.3147C>T (p.Asn1049=)

Gene: ABCC8 (ATP binding cassette subfamily C member 8; minus strand). Cytogenetic location: 11p15.1.
Variant type: single nucleotide variant.
Coding change: c.3147C>T on transcript NM_000352.6 (MANE Select); coding-DNA position 3147, C replaced by T.
Protein change: p.Asn1049=; no amino-acid change (asparagine 1049 retained).
Molecular consequence: synonymous variant. On other transcripts: non-coding transcript variant (1).
Genome position (GRCh38, 1-based): chr11:17,406,903, G>A on the plus strand (C>T on the coding strand, the complement: ABCC8 is on the minus strand). VCF-style: chr11-17406903-G-A. GRCh37 (hg19) VCF-style: chr11-17428450-G-A.
Other names: c.3150C>T, p.Asn1050= (NM_001287174.3); c.3213C>T, p.Asn1071= (NM_001351295.2); c.3147C>T, p.Asn1049= (NM_001351296.2); c.3144C>T, p.Asn1048= (NM_001351297.2).
Identifiers: ClinVar variation 1687623 (VCV001687623.1), dbSNP rs1317881086, ClinGen allele CA473516085.

ClinVar aggregate classification (germline): Uncertain significance. Review status: criteria provided, single submitter (1 of 4 stars). 2 submissions from 1 submitter: Uncertain significance (2).

Conditions:
Transitory neonatal diabetes mellitus. Also called: Transient neonatal diabetes mellitus. Identifiers: MedGen C0342273, MONDO:0020525, HP:0008255.
Maturity-onset diabetes of the young (MODY). Also called: Maturity onset diabetes mellitus in young. Identifiers: Orphanet 552, MedGen C0342276, MONDO:0018911, HP:0004904.

Allele frequency attached by ClinVar (database versions not stated): gnomAD exomes below 0.00001 and 0.00001.
gnomAD v4.1: 1 of 1,614,120 alleles (0.000062%); highest among the groups gnomAD compares: Non-Finnish European, 0.000085%; no homozygotes.

Submissions (2):

Clinical Genomics, Uppaluri K&H Personalized Medicine Clinic
Classification: Uncertain significance for Maturity-onset diabetes of the young. Review status: criteria provided, single submitter. Criteria: K & H Uppaluri Personalized Medicine Clinic Variant Classification & Assertion Criteria_Updated V.1. Collection method: research. Allele origin: somatic. Inheritance: Somatic mutation.
Comment: Mutations in ABCC8 gene are associated with both neonatal diabetes mellitus as well as MODY. Patients with this mutation may have a better response to sulfonylureas. However, no sufficient evidence is found to ascertain the role of this particular variant ( rs1317881086) in MODY yet.

Clinical Genomics, Uppaluri K&H Personalized Medicine Clinic
Classification: Uncertain significance for Transitory neonatal diabetes mellitus. Review status: criteria provided, single submitter. Criteria: K & H Uppaluri Personalized Medicine Clinic Variant Classification & Assertion Criteria_Updated V.1. Collection method: research. Allele origin: somatic. Inheritance: Somatic mutation.
Comment: Mutations in ABCC8 gene are associated with both neonatal diabetes mellitus as well as MODY. Patients with this mutation may have a better response to sulfonylureas. However, no sufficient evidence is found to ascertain the role of this particular variant ( rs1317881086) in neonatal diabetes yet.

Literature cited by the submitters: PubMed 16885549; PubMed 21989597; PubMed 27538677; PubMed 18981553; PubMed 32027066; PubMed 16613899; PubMed 18025408; PubMed 32792356.